The following is an entry in ClinVar:

ClinVar aggregate classification (germline): Conflicting classifications of pathogenicity. Review status: criteria provided, conflicting classifications (1 of 4 stars). 2 submissions from 2 submitters: Uncertain significance (1); Likely benign (1). Last evaluated 2025-04-25.

Conditions:
Inborn genetic diseases. Identifiers: MedGen C0950123, MeSH D030342.

Submissions (2):

Ambry Genetics
Classification: Likely benign for Inborn genetic diseases. Last evaluated: 2025-04-25. Review status: criteria provided, single submitter. Criteria: Ambry Variant Classification Scheme 2023. Collection method: clinical testing. Allele origin: germline.

Labcorp Genetics (formerly Invitae), Labcorp
Classification: Uncertain significance. Last evaluated: 2023-04-22. Review status: criteria provided, single submitter. Criteria: Invitae Variant Classification Sherloc (09022015). Collection method: clinical testing. Allele origin: germline.
Comment: Algorithms developed to predict the effect of missense changes on protein structure and function output the following: SIFT: "Not Available"; PolyPhen-2: "Benign"; Align-GVGD: "Not Available". The lysine amino acid residue is found in multiple mammalian species, which suggests that this missense change does not adversely affect protein function. This sequence change replaces arginine, which is basic and polar, with lysine, which is basic and polar, at codon 1198 of the ARHGAP31 protein (p.Arg1198Lys). This variant is not present in population databases (gnomAD no frequency). This variant has not been reported in the literature in individuals affected with ARHGAP31-related conditions. In summary, the available evidence is currently insufficient to determine the role of this variant in disease. Therefore, it has been classified as a Variant of Uncertain Significance.

NM_020754.4(ARHGAP31):c.3593G>A (p.Arg1198Lys)

Gene: ARHGAP31 (Rho GTPase activating protein 31; plus strand). Cytogenetic location: 3q13.33.
Variant type: single nucleotide variant.
Coding change: c.3593G>A on transcript NM_020754.4 (MANE Select); coding-DNA position 3593, G replaced by A.
Protein change: p.Arg1198Lys; replaces arginine 1198 with lysine.
Molecular consequence: missense variant.
Genome position (GRCh38, 1-based): chr3:119,415,522, G>A. VCF-style: chr3-119415522-G-A. GRCh37 (hg19) VCF-style: chr3-119134369-G-A.
Other names: c.3593G>A (NM_020754.2); short protein forms R1198K.
Identifiers: ClinVar variation 2876289 (VCV002876289.4), dbSNP rs2472878404, ClinGen allele CA354059373.
Genomic context (GRCh38, chr3:119,415,522, plus strand): 5'-CAGCTCCTGTGAGTGTGTCAGCTGTGAGAACCTCCTTCATGGTCAAAATGTGCCAGGCCA[G>A]GGCGGTCCCAGTCATCCCTCCCAAGATTCAGTACACCCAGATCCCACAGCCCCTGCCCTC-3'
Protein context (NP_065805.2, residues 1188-1208): TSFMVKMCQA[Arg1198Lys]AVPVIPPKIQ